The following is an entry in ClinVar:

NM_001200.4(BMP2):c.835A>G (p.Arg279Gly)

Gene: BMP2 (bone morphogenetic protein 2; plus strand). Cytogenetic location: 20p12.3.
Variant type: single nucleotide variant.
Coding change: c.835A>G on transcript NM_001200.4 (MANE Select); coding-DNA position 835, A replaced by G.
Protein change: p.Arg279Gly; replaces arginine 279 with glycine.
Molecular consequence: missense variant.
Genome position (GRCh38, 1-based): chr20:6,778,733, A>G. VCF-style: chr20-6778733-A-G. GRCh37 (hg19) VCF-style: chr20-6759380-A-G.
Other names: short protein forms R279G.
Identifiers: ClinVar variation 3678224 (VCV003678224.2).

ClinVar aggregate classification (germline): Uncertain significance (1 of 4 stars; one submission).

gnomAD v4.1: 1 of 1,614,244 alleles (0.000062%); no homozygotes.

Submission:

Labcorp Genetics (formerly Invitae), Labcorp
Classification: Uncertain significance. Last evaluated: 2024-05-02. Review status: criteria provided, single submitter. Criteria: Invitae Variant Classification Sherloc (09022015). Collection method: clinical testing. Allele origin: germline.
Comment: This sequence change replaces arginine, which is basic and polar, with glycine, which is neutral and non-polar, at codon 279 of the BMP2 protein (p.Arg279Gly). This variant is not present in population databases (gnomAD no frequency). This variant has not been reported in the literature in individuals affected with BMP2-related conditions. An algorithm developed to predict the effect of missense changes on protein structure and function (PolyPhen-2) suggests that this variant is likely to be disruptive. In summary, the available evidence is currently insufficient to determine the role of this variant in disease. Therefore, it has been classified as a Variant of Uncertain Significance.